The following is an entry in ClinVar:

ClinVar aggregate classification (germline): Likely benign. Review status: criteria provided, multiple submitters, no conflicts (2 of 4 stars). 3 submissions from 3 submitters: Likely benign (3). Last evaluated 2025-03-01.

Allele frequency attached by ClinVar (database versions not stated): gnomAD exomes 0.00021; gnomAD 0.00026; TOPMed 0.00034; ExAC 0.00044.
gnomAD v4.1: 385 of 1,600,298 alleles (0.024%); highest among the groups gnomAD compares: Middle Eastern, 0.044%; 1 homozygote.

Submissions (3):

CeGaT Center for Human Genetics Tuebingen
Classification: Likely benign. Last evaluated: 2025-03-01. Review status: criteria provided, single submitter. Criteria: CeGaT Center For Human Genetics Tuebingen Variant Classification Criteria Version 2. Collection method: clinical testing. Allele origin: germline. Affected: yes. Observed: 2 variant alleles.
Comment: EIF3F: BP4, BP7

Blueprint Genetics
Classification: Likely benign. Last evaluated: 2024-11-04. Review status: criteria provided, single submitter. Criteria: ACMG Guidelines, 2015. Collection method: clinical testing. Allele origin: germline.

Breakthrough Genomics
Classification: Likely benign. Review status: criteria provided, single submitter. Criteria: ACMG Guidelines, 2015. Collection method: not provided. Allele origin: germline. Inheritance: Autosomal recessive inheritance. Affected: yes.

NM_003754.3(EIF3F):c.204T>A (p.Ala68=)

Gene: EIF3F (eukaryotic translation initiation factor 3 subunit F; plus strand). Cytogenetic location: 11p15.4.
Variant type: single nucleotide variant.
Coding change: c.204T>A on transcript NM_003754.3 (MANE Select); coding-DNA position 204, T replaced by A.
Protein change: p.Ala68=; no amino-acid change (alanine 68 retained).
Molecular consequence: synonymous variant.
Genome position (GRCh38, 1-based): chr11:7,987,556, T>A. VCF-style: chr11-7987556-T-A. GRCh37 (hg19) VCF-style: chr11-8009103-T-A.
Identifiers: ClinVar variation 2641576 (VCV002641576.26), dbSNP rs745521038, ClinGen allele CA5870446.